The following is an entry in ClinVar:

ClinVar aggregate classification (germline): Uncertain significance (1 of 4 stars; one submission).

Conditions:
Multiple mitochondrial dysfunctions syndrome 1 (MMDS1). Identifiers: Orphanet 401869, MedGen C3276432, MONDO:0011582, OMIM 605711.

Allele frequency attached by ClinVar (database versions not stated): gnomAD exomes below 0.00001; gnomAD 0.00002.
gnomAD v4.1: 5 of 1,613,862 alleles (0.00031%); highest among the groups gnomAD compares: African/African-American, 0.0053%; no homozygotes.

Submission:

Labcorp Genetics (formerly Invitae), Labcorp
Classification: Uncertain significance for Multiple mitochondrial dysfunctions syndrome 1. Last evaluated: 2022-08-16. Review status: criteria provided, single submitter. Criteria: Invitae Variant Classification Sherloc (09022015). Collection method: clinical testing. Allele origin: germline.
Comment: ClinVar contains an entry for this variant (Variation ID: 1517241). In summary, the available evidence is currently insufficient to determine the role of this variant in disease. Therefore, it has been classified as a Variant of Uncertain Significance. Algorithms developed to predict the effect of sequence changes on RNA splicing suggest that this variant may create or strengthen a splice site. Algorithms developed to predict the effect of missense changes on protein structure and function (SIFT, PolyPhen-2, Align-GVGD) all suggest that this variant is likely to be disruptive. This variant has not been reported in the literature in individuals affected with NFU1-related conditions. This variant is present in population databases (no rsID available, gnomAD 0.008%). This sequence change replaces serine, which is neutral and polar, with arginine, which is basic and polar, at codon 212 of the NFU1 protein (p.Ser212Arg).

NM_001002755.4(NFU1):c.636C>G (p.Ser212Arg)

Gene: NFU1 (NFU1 iron-sulfur cluster scaffold; minus strand). Cytogenetic location: 2p13.3.
Variant type: single nucleotide variant.
Coding change: c.636C>G on transcript NM_001002755.4 (MANE Select); coding-DNA position 636, C replaced by G.
Protein change: p.Ser212Arg; replaces serine 212 with arginine.
Molecular consequence: missense variant. On other transcripts: non-coding transcript variant (1).
Genome position (GRCh38, 1-based): chr2:69,400,448, G>C on the plus strand (C>G on the coding strand, the complement: NFU1 is on the minus strand). VCF-style: chr2-69400448-G-C. GRCh37 (hg19) VCF-style: chr2-69627580-G-C.
Other names: c.213C>G, p.Ser71Arg (NM_001002756.2); c.564C>G, p.Ser188Arg (NM_001374284.1, NM_015700.4); short protein forms S212R, S71R, S188R.
Identifiers: ClinVar variation 1517241 (VCV001517241.4), dbSNP rs1272262379, ClinGen allele CA347123387.